The following is an entry in ClinVar:

ClinVar aggregate classification (germline): Uncertain significance. Review status: criteria provided, multiple submitters, no conflicts (2 of 4 stars). 3 submissions from 3 submitters: Uncertain significance (3). Last evaluated 2024-11-15.

Allele frequency attached by ClinVar (database versions not stated): TOPMed 0.00002; ESP Exome Variant Server 0.00015.
gnomAD v4.1: 96 of 1,613,934 alleles (0.0059%); highest among the groups gnomAD compares: Non-Finnish European, 0.0072%; no homozygotes.

Submissions (3):

Ambry Genetics
Classification: Uncertain significance. Last evaluated: 2024-11-15. Review status: criteria provided, single submitter. Criteria: Ambry Variant Classification Scheme 2023. Collection method: clinical testing. Allele origin: germline.

Blueprint Genetics
Classification: Uncertain significance. Last evaluated: 2024-06-13. Review status: criteria provided, single submitter. Criteria: ACMG Guidelines, 2015. Collection method: clinical testing. Allele origin: germline.

Labcorp Genetics (formerly Invitae), Labcorp
Classification: Uncertain significance. Last evaluated: 2023-09-18. Review status: criteria provided, single submitter. Criteria: Invitae Variant Classification Sherloc (09022015). Collection method: clinical testing. Allele origin: germline.
Comment: In summary, the available evidence is currently insufficient to determine the role of this variant in disease. Therefore, it has been classified as a Variant of Uncertain Significance. An algorithm developed to predict the effect of missense changes on protein structure and function (PolyPhen-2) suggests that this variant is likely to be tolerated. ClinVar contains an entry for this variant (Variation ID: 969957). This variant has not been reported in the literature in individuals affected with CEP250-related conditions. This variant is present in population databases (rs376842301, gnomAD 0.005%). This sequence change replaces glutamic acid, which is acidic and polar, with aspartic acid, which is acidic and polar, at codon 414 of the CEP250 protein (p.Glu414Asp).

NM_007186.6(CEP250):c.1242G>C (p.Glu414Asp)

Genes: CEP250 (centrosomal protein 250; plus strand), CEP250-AS1 (CEP250 antisense RNA 1; minus strand). Cytogenetic location: 20q11.22.
Variant type: single nucleotide variant.
Coding change: c.1242G>C on transcript NM_007186.6 (MANE Select); coding-DNA position 1242, G replaced by C.
Protein change: p.Glu414Asp; replaces glutamic acid 414 with aspartic acid.
Molecular consequence: missense variant. On other transcripts: 5 prime UTR variant (1).
Genome position (GRCh38, 1-based): chr20:35,473,406, G>C. VCF-style: chr20-35473406-G-C. GRCh37 (hg19) VCF-style: chr20-34061231-G-C.
Other names: c.1242G>C (NM_007186.3); c.-658G>C (NM_001318219.1); short protein forms E414D.
Identifiers: ClinVar variation 969957 (VCV000969957.12), dbSNP rs376842301, ClinGen allele CA9832867.
Genomic context (GRCh38, chr20:35,473,406, plus strand): 5'-TCTGGTTTCTCTTGCTCTCTCTCCACAGGACCTAAGGCAGCAGCTTGCAGGCTGTCAAGA[G>C]GCTGTGAACTTGTTGCAACAGCAGCATGATCAGTGGGAGGAAGAGGGCAAAGCCTTGAGA-3'
Protein context (NP_009117.2, residues 404-424): DLRQQLAGCQ[Glu414Asp]AVNLLQQQHD